The following is an entry in ClinVar:

ClinVar aggregate classification (germline): Uncertain significance (1 of 4 stars; one submission).

Submission:

Labcorp Genetics (formerly Invitae), Labcorp
Classification: Uncertain significance. Last evaluated: 2020-12-02. Review status: criteria provided, single submitter. Criteria: Invitae Variant Classification Sherloc (09022015). Collection method: clinical testing. Allele origin: germline.
Comment: In summary, the available evidence is currently insufficient to determine the role of this variant in disease. Therefore, it has been classified as a Variant of Uncertain Significance. Algorithms developed to predict the effect of sequence changes on RNA splicing suggest that this variant may create or strengthen a splice site, but this prediction has not been confirmed by published transcriptional studies. Algorithms developed to predict the effect of missense changes on protein structure and function are either unavailable or do not agree on the potential impact of this missense change (SIFT: "Deleterious"; PolyPhen-2: "Probably Damaging"; Align-GVGD: "Class C15"). This variant has not been reported in the literature in individuals with EMC1-related conditions. This variant is not present in population databases (ExAC no frequency). This sequence change replaces glycine with valine at codon 813 of the EMC1 protein (p.Gly813Val). The glycine residue is highly conserved and there is a moderate physicochemical difference between glycine and valine.

NM_015047.3(EMC1):c.2438G>T (p.Gly813Val)

Genes: EMC1 (ER membrane protein complex subunit 1; minus strand), EMC1-AS1 (EMC1 antisense RNA 1; plus strand). Cytogenetic location: 1p36.13.
Variant type: single nucleotide variant.
Coding change: c.2438G>T on transcript NM_015047.3 (MANE Select); coding-DNA position 2438, G replaced by T.
Protein change: p.Gly813Val; replaces glycine 813 with valine.
Molecular consequence: missense variant.
Genome position (GRCh38, 1-based): chr1:19,222,773, C>A on the plus strand (G>T on the coding strand, the complement: EMC1 is on the minus strand). VCF-style: chr1-19222773-C-A. GRCh37 (hg19) VCF-style: chr1-19549267-C-A.
Other names: c.2435G>T, p.Gly812Val (NM_001271427.2, NM_001271428.2); c.2372G>T, p.Gly791Val (NM_001271429.2); c.2447G>T, p.Gly816Val (NM_001375820.1); c.2444G>T, p.Gly815Val (NM_001375821.1); short protein forms G813V, G791V, G812V, G815V, G816V.
Identifiers: ClinVar variation 1352968 (VCV001352968.8), dbSNP rs2151938225, ClinGen allele CA338754478.